The following is an entry in ClinVar:

NM_201548.5(CERKL):c.1145del (p.Gly382fs)

Gene: CERKL (CERK like autophagy regulator; minus strand). Cytogenetic location: 2q31.3.
Variant type: Deletion.
Coding change: c.1145del on transcript NM_201548.5 (MANE Select); coding-DNA position 1145, one base deleted (G; older notation c.1145delG).
Protein change: p.Gly382fs; shifts the reading frame from glycine 382.
Molecular consequence: frameshift variant. On other transcripts: non-coding transcript variant (2).
Genome position (GRCh38, 1-based): chr2:181,547,836, C deleted on the plus strand (G on the coding strand, the reverse complement: CERKL is on the minus strand); the first of 3 consecutive C bases (chr2:181,547,836-181,547,838); deleting any one gives the same sequence. VCF-style (leftmost placement, unchanged base first): chr2-181547835-TC-T. GRCh37 (hg19) VCF-style: chr2-182412562-TC-T.
Other names: c.1223del, p.Gly408fs (NM_001030311.3); c.806del, p.Gly269fs (NM_001030312.3); c.938del, p.Gly313fs (NM_001030313.3); c.1091del, p.Gly364fs (NM_001160277.2); short protein forms G269fs, G408fs, G313fs, G364fs, G382fs.
Identifiers: ClinVar variation 842936 (VCV000842936.7), dbSNP rs1687797608, ClinGen allele CA916082264.

ClinVar aggregate classification (germline): Pathogenic (1 of 4 stars; one submission).

Submission:

Labcorp Genetics (formerly Invitae), Labcorp
Classification: Pathogenic. Last evaluated: 2022-02-10. Review status: criteria provided, single submitter. Criteria: Invitae Variant Classification Sherloc (09022015). Collection method: clinical testing. Allele origin: germline.
Comment: ClinVar contains an entry for this variant (Variation ID: 842936). For these reasons, this variant has been classified as Pathogenic. This variant has not been reported in the literature in individuals affected with CERKL-related conditions. This variant is not present in population databases (gnomAD no frequency). This sequence change creates a premature translational stop signal (p.Gly408Aspfs*13) in the CERKL gene. It is expected to result in an absent or disrupted protein product. Loss-of-function variants in CERKL are known to be pathogenic (PMID: 14681825, 23591405, 24043777).

Literature cited by the submitters: PubMed 14681825; PubMed 23591405; PubMed 24043777.